The following is an entry in ClinVar:

NM_021830.5(TWNK):c.1306G>C (p.Gly436Arg)

Gene: TWNK (twinkle mtDNA helicase; plus strand). Cytogenetic location: 10q24.31.
Variant type: single nucleotide variant.
Coding change: c.1306G>C on transcript NM_021830.5 (MANE Select); coding-DNA position 1306, G replaced by C.
Protein change: p.Gly436Arg; replaces glycine 436 with arginine.
Molecular consequence: missense variant. On other transcripts: 5 prime UTR variant (3), non-coding transcript variant (5).
Genome position (GRCh38, 1-based): chr10:100,989,706, G>C. VCF-style: chr10-100989706-G-C. GRCh37 (hg19) VCF-style: chr10-102749463-G-C.
Other names: c.1306G>C, p.Gly436Arg (NM_001163812.2); c.-57G>C (NM_001163813.2, NM_001163814.2, NM_001368275.1); short protein forms G436R.
Identifiers: ClinVar variation 2438449 (VCV002438449.6), dbSNP rs863223922, ClinGen allele CA212963483.

ClinVar aggregate classification (germline): Uncertain significance. Review status: criteria provided, multiple submitters, no conflicts (2 of 4 stars). 2 submissions from 2 submitters: Uncertain significance (2). Last evaluated 2023-01-28.

Submissions (2):

Labcorp Genetics (formerly Invitae), Labcorp
Classification: Uncertain significance. Last evaluated: 2023-01-28. Review status: criteria provided, single submitter. Criteria: Invitae Variant Classification Sherloc (09022015). Collection method: clinical testing. Allele origin: germline.
Comment: In summary, the available evidence is currently insufficient to determine the role of this variant in disease. Therefore, it has been classified as a Variant of Uncertain Significance. Algorithms developed to predict the effect of sequence changes on RNA splicing suggest that this variant may disrupt the consensus splice site. Advanced modeling of protein sequence and biophysical properties (such as structural, functional, and spatial information, amino acid conservation, physicochemical variation, residue mobility, and thermodynamic stability) performed at Invitae indicates that this missense variant is expected to disrupt TWNK protein function. This missense change has been observed in individual(s) with clinical features of TWNK-related conditions (PMID: 27165006). This variant is present in population databases (no rsID available, gnomAD 0.003%). This sequence change replaces glycine, which is neutral and non-polar, with arginine, which is basic and polar, at codon 436 of the TWNK protein (p.Gly436Arg).

Revvity Omics, Revvity
Classification: Uncertain significance. Last evaluated: 2020-04-04. Review status: criteria provided, single submitter. Criteria: ACMG Guidelines, 2015. Collection method: clinical testing. Allele origin: germline.

Literature cited by the submitters: PubMed 27165006 (cited by Labcorp Genetics (formerly Invitae), Labcorp).